The following is an entry in ClinVar:

ClinVar aggregate classification (germline): Uncertain significance. Review status: criteria provided, multiple submitters, no conflicts (2 of 4 stars). 2 submissions from 2 submitters: Uncertain significance (2). Last evaluated 2022-08-06.

Conditions:
Stickler syndrome, type 4 (STL4). Identifiers: Orphanet 250984, Orphanet 828, MedGen C3279941, MONDO:0013590, OMIM 614134.

Allele frequency attached by ClinVar (database versions not stated): gnomAD exomes 0.00001; gnomAD 0.00002; TOPMed 0.00003.
gnomAD v4.1: 41 of 1,613,972 alleles (0.0025%); highest among the groups gnomAD compares: Non-Finnish European, 0.0031%; no homozygotes.

Submissions (2):

Labcorp Genetics (formerly Invitae), Labcorp
Classification: Uncertain significance. Last evaluated: 2022-08-06. Review status: criteria provided, single submitter. Criteria: Invitae Variant Classification Sherloc (09022015). Collection method: clinical testing. Allele origin: germline.
Comment: This sequence change replaces alanine, which is neutral and non-polar, with proline, which is neutral and non-polar, at codon 521 of the COL9A1 protein (p.Ala521Pro). This variant is present in population databases (no rsID available, gnomAD 0.002%). This variant has not been reported in the literature in individuals affected with COL9A1-related conditions. ClinVar contains an entry for this variant (Variation ID: 1386321). Advanced modeling of protein sequence and biophysical properties (such as structural, functional, and spatial information, amino acid conservation, physicochemical variation, residue mobility, and thermodynamic stability) performed at Invitae indicates that this missense variant is not expected to disrupt COL9A1 protein function. In summary, the available evidence is currently insufficient to determine the role of this variant in disease. Therefore, it has been classified as a Variant of Uncertain Significance.

Blueprint Genetics
Classification: Uncertain significance. Last evaluated: 2020-12-18. Review status: criteria provided, single submitter. Criteria: ACMG Guidelines, 2015. Collection method: clinical testing. Allele origin: germline.

NM_001851.6(COL9A1):c.1561G>C (p.Ala521Pro)

Gene: COL9A1 (collagen type IX alpha 1 chain; minus strand). Cytogenetic location: 6q13.
Variant type: single nucleotide variant.
Coding change: c.1561G>C on transcript NM_001851.6 (MANE Select); coding-DNA position 1561, G replaced by C.
Protein change: p.Ala521Pro; replaces alanine 521 with proline.
Molecular consequence: missense variant. On other transcripts: non-coding transcript variant (1).
Genome position (GRCh38, 1-based): chr6:70,255,200, C>G on the plus strand (G>C on the coding strand, the complement: COL9A1 is on the minus strand). VCF-style: chr6-70255200-C-G. GRCh37 (hg19) VCF-style: chr6-70964903-C-G.
Other names: c.832G>C, p.Ala278Pro (NM_001377289.1, NM_001377290.1, NM_078485.4); c.1561G>C (NM_001851.4); short protein forms A278P, A521P.
Identifiers: ClinVar variation 1386321 (VCV001386321.5), dbSNP rs1402008313, ClinGen allele CA364677893.
Genomic context (GRCh38, chr6:70,255,200, plus strand): 5'-CAGGACATACCGTGTCTCCTTTGGGCCCAGGGAGACCAGGAATTCCTCTAGCACCTTCAG[C>G]CCCCTGCAGGGAGGAAGAGAAAGAATAGACAAGACATGTTCAGTTAACATAATACTTAGA-3'
Protein context (NP_001842.3, residues 511-531): GEAGPKGDRG[Ala521Pro]EGARGIPGLP